The following is an entry in ClinVar:

ClinVar aggregate classification (germline): Uncertain significance (1 of 4 stars; one submission).

Submission:

Ambry Genetics
Classification: Uncertain significance. Last evaluated: 2024-12-08. Review status: criteria provided, single submitter. Criteria: Ambry Variant Classification Scheme 2023. Collection method: clinical testing. Allele origin: germline.
Comment: The p.T715N variant (also known as c.2144C>A), located in coding exon 9 of the WNK2 gene, results from a C to A substitution at nucleotide position 2144. The threonine at codon 715 is replaced by asparagine, an amino acid with similar properties. This amino acid position is conserved. In addition, this alteration is predicted to be tolerated by in silico analysis. Based on the available evidence, the clinical significance of this variant remains unclear.

NM_006648.4(WNK2):c.2144C>A (p.Thr715Asn)

Gene: WNK2 (WNK lysine deficient protein kinase 2; plus strand). Cytogenetic location: 9q22.31.
Variant type: single nucleotide variant.
Coding change: c.2144C>A on transcript NM_006648.4 (MANE Select); coding-DNA position 2144, C replaced by A.
Protein change: p.Thr715Asn; replaces threonine 715 with asparagine.
Molecular consequence: missense variant.
Genome position (GRCh38, 1-based): chr9:93,256,408, C>A. VCF-style: chr9-93256408-C-A. GRCh37 (hg19) VCF-style: chr9-96018690-C-A.
Other names: c.2144C>A, p.Thr715Asn (NM_001282394.3); short protein forms T715N.
Identifiers: ClinVar variation 3470676 (VCV003470676.1).